The following is an entry in ClinVar:

ClinVar aggregate classification (germline): not provided (0 of 4 stars; one submission).

Submission:

ITMI
No classification provided. Condition: AllHighlyPenetrant. Last evaluated: 2013-09-19. Review status: no classification provided. Collection method: reference population. Allele origin: germline.
Comment: Please see associated publication for description of ethnicities

Literature cited by the submitters: PubMed 24728327.

NM_001127208.3(TET2):c.5914G>C (p.Ala1972Pro)

Genes: TET2 (tet methylcytosine dioxygenase 2; plus strand), TET2-AS1 (TET2 antisense RNA 1; minus strand). Cytogenetic location: 4q24.
Variant type: single nucleotide variant.
Coding change: c.5914G>C on transcript NM_001127208.3 (MANE Select); coding-DNA position 5914, G replaced by C.
Protein change: p.Ala1972Pro; replaces alanine 1972 with proline.
Molecular consequence: missense variant.
Genome position (GRCh38, 1-based): chr4:105,276,424, G>C. VCF-style: chr4-105276424-G-C. GRCh37 (hg19) VCF-style: chr4-106197581-G-C.
Other names: short protein forms A1972P.
Identifiers: ClinVar variation 135299 (VCV000135299.1), dbSNP rs587778703, ClinGen allele CA162264.